The following is an entry in ClinVar:

NM_152703.5(SAMD9L):c.1217G>A (p.Arg406Gln)

Gene: SAMD9L (sterile alpha motif domain containing 9 like; minus strand). Cytogenetic location: 7q21.2.
Variant type: single nucleotide variant.
Coding change: c.1217G>A on transcript NM_152703.5 (MANE Select); coding-DNA position 1217, G replaced by A.
Protein change: p.Arg406Gln; replaces arginine 406 with glutamine.
Molecular consequence: missense variant.
Genome position (GRCh38, 1-based): chr7:93,134,755, C>T on the plus strand (G>A on the coding strand, the complement: SAMD9L is on the minus strand). VCF-style: chr7-93134755-C-T. GRCh37 (hg19) VCF-style: chr7-92764068-C-T.
Other names: p.Arg406Gln; c.1217G>A, p.Arg406Gln (NM_001303496.3, NM_001303497.3, NM_001303498.3 and 5 more transcripts); short protein forms R406Q.
Identifiers: ClinVar variation 778937 (VCV000778937.19), dbSNP rs73710964, ClinGen allele CA4343751.

ClinVar aggregate classification (germline): Benign. Review status: criteria provided, multiple submitters, no conflicts (2 of 4 stars). 6 submissions from 6 submitters: Benign (5). 1 of the submissions does not count toward it. Last evaluated 2026-02-04.

Conditions:
SAMD9L-related disorder. Also called: SAMD9L-related disorders; SAMD9L-related condition.

Allele frequency attached by ClinVar (database versions not stated): gnomAD exomes 0.00277 and 0.00708; ExAC 0.00879; gnomAD 0.02954 and 0.03165; ESP Exome Variant Server 0.03237; TOPMed 0.03246; 1000 Genomes Project 0.03355; 1000 Genomes Project 30x 0.03498.

Submissions (6):

Labcorp Genetics (formerly Invitae), Labcorp
Classification: Benign. Last evaluated: 2026-02-04. Review status: criteria provided, single submitter. Criteria: Invitae Variant Classification Sherloc (09022015). Collection method: clinical testing. Allele origin: germline.

ARUP Laboratories, Molecular Genetics and Genomics, ARUP Laboratories
Classification: Benign. Last evaluated: 2024-10-17. Review status: criteria provided, single submitter. Criteria: ARUP Molecular Germline Variant Investigation Process 2024. Collection method: clinical testing. Allele origin: germline.

Mayo Clinic Laboratories, Mayo Clinic
Classification: Benign. Last evaluated: 2023-09-10. Review status: criteria provided, single submitter. Criteria: ACMG Guidelines, 2015. Collection method: clinical testing. Allele origin: germline. Observed: 16 variant alleles.

GeneDx
Classification: Benign. Last evaluated: 2019-06-15. Review status: criteria provided, single submitter. Criteria: GeneDx Variant Classification Process June 2021. Collection method: clinical testing. Allele origin: germline. Affected: yes.

Breakthrough Genomics
Classification: Benign. Review status: criteria provided, single submitter. Criteria: ACMG Guidelines, 2015. Collection method: not provided. Allele origin: germline. Inheritance: Autosomal dominant inheritance. Affected: yes.

PreventionGenetics, part of Exact Sciences
Classification: Benign for SAMD9L-related condition. Last evaluated: 2019-03-08. Review status: no assertion criteria provided. Collection method: clinical testing. Allele origin: germline. Not counted in ClinVar's aggregate classification.
Comment: This variant is classified as benign based on ACMG/AMP sequence variant interpretation guidelines (Richards et al. 2015 PMID: 25741868, with internal and published modifications).